The following is an entry in ClinVar:

ClinVar aggregate classification (germline): Conflicting classifications of pathogenicity. Review status: criteria provided, conflicting classifications (1 of 4 stars). 3 submissions from 3 submitters: Uncertain significance (2); Likely benign (1). Last evaluated 2024-10-23.

Conditions:
Hereditary cancer-predisposing syndrome. Also called: Tumor predisposition; Neoplastic Syndromes, Hereditary; Hereditary Cancer Syndrome; Hereditary neoplastic syndrome. Identifiers: Orphanet 140162, MedGen C0027672, MeSH D009386, MONDO:0015356.
Hereditary diffuse gastric adenocarcinoma (HDGC). Also called: DIFFUSE GASTRIC AND LOBULAR BREAST CANCER SYNDROME. Identifiers: Orphanet 26106, MedGen C1708349, MONDO:0007648, OMIM 137215.

Allele frequency attached by ClinVar (database versions not stated): gnomAD exomes 0.00002.
gnomAD v4.1: 17 of 1,614,184 alleles (0.0011%); highest among the groups gnomAD compares: Non-Finnish European, 0.0014%; no homozygotes.

Submissions (3):

Labcorp Genetics (formerly Invitae), Labcorp
Classification: Uncertain significance for Hereditary diffuse gastric adenocarcinoma. Last evaluated: 2024-10-23. Review status: criteria provided, single submitter. Criteria: Invitae Variant Classification Sherloc (09022015). Collection method: clinical testing. Allele origin: germline.
Comment: This sequence change replaces isoleucine, which is neutral and non-polar, with asparagine, which is neutral and polar, at codon 135 of the CDH1 protein (p.Ile135Asn). This variant is not present in population databases (gnomAD no frequency). This variant has not been reported in the literature in individuals affected with CDH1-related conditions. ClinVar contains an entry for this variant (Variation ID: 479498). An algorithm developed to predict the effect of missense changes on protein structure and function (PolyPhen-2) suggests that this variant is likely to be tolerated. In summary, the available evidence is currently insufficient to determine the role of this variant in disease. Therefore, it has been classified as a Variant of Uncertain Significance.

Ambry Genetics
Classification: Likely benign for Hereditary cancer-predisposing syndrome. Last evaluated: 2024-01-05. Review status: criteria provided, single submitter. Criteria: Ambry Variant Classification Scheme 2023. Collection method: clinical testing. Allele origin: germline.

Color Diagnostics, LLC DBA Color Health
Classification: Uncertain significance for Hereditary cancer-predisposing syndrome. Last evaluated: 2023-12-05. Review status: criteria provided, single submitter. Criteria: ACMG Guidelines, 2015. Collection method: clinical testing. Allele origin: germline.
Comment: This missense variant replaces isoleucine with asparagine at codon 135 of the CDH1 protein. To our knowledge, functional studies have not been reported for this variant. This variant has not been reported in individuals affected with hereditary cancer in the literature. This variant has not been identified in the general population by the Genome Aggregation Database (gnomAD). The available evidence is insufficient to determine the role of this variant in disease conclusively. Therefore, this variant is classified as a Variant of Uncertain Significance.

NM_004360.5(CDH1):c.404T>A (p.Ile135Asn)

Gene: CDH1 (cadherin 1; plus strand). Cytogenetic location: 16q22.1.
Variant type: single nucleotide variant.
Coding change: c.404T>A on transcript NM_004360.5 (MANE Select); coding-DNA position 404, T replaced by A.
Protein change: p.Ile135Asn; replaces isoleucine 135 with asparagine.
Molecular consequence: missense variant. On other transcripts: 5 prime UTR variant (2).
Genome position (GRCh38, 1-based): chr16:68,808,440, T>A. VCF-style: chr16-68808440-T-A. GRCh37 (hg19) VCF-style: chr16-68842343-T-A.
Other names: c.404T>A (LRG_301t1); c.404T>A, p.Ile135Asn (NM_001317184.2); c.-1212T>A (NM_001317185.2); c.-1416T>A (NM_001317186.2); short protein forms I135N.
Identifiers: ClinVar variation 479498 (VCV000479498.18), dbSNP rs1555515189, ClinGen allele CA396457548.